The following is an entry in ClinVar:

ClinVar aggregate classification (germline): Conflicting classifications of pathogenicity. Review status: criteria provided, conflicting classifications (1 of 4 stars). 4 submissions from 4 submitters: Uncertain significance (1); Likely benign (3). Last evaluated 2026-05-01.

Conditions:
Catecholaminergic polymorphic ventricular tachycardia 1. Also called: RYR2-Related Catecholaminergic Polymorphic Ventricular Tachycardia; VENTRICULAR TACHYCARDIA, STRESS-INDUCED POLYMORPHIC 1; VENTRICULAR TACHYCARDIA, CATECHOLAMINERGIC POLYMORPHIC, 1, WITH OR WITHOUT ATRIAL DYSFUNCTION AND/OR DILATED CARDIOMYOPATHY. Identifiers: Orphanet 3286, MedGen C1631597, MONDO:0011484, OMIM 604772.
Cardiovascular phenotype. Identifiers: MedGen CN230736.

Allele frequency attached by ClinVar (database versions not stated): gnomAD exomes 0.00006 and 0.00007; ExAC 0.00010; gnomAD 0.00003 and 0.00004; TOPMed 0.00003.
gnomAD v4.1: 88 of 1,607,118 alleles (0.0055%); highest among the groups gnomAD compares: Non-Finnish European, 0.0072%; no homozygotes.

Submissions (4):

Women's Health and Genetics/Laboratory Corporation of America, LabCorp
Classification: Likely benign. Last evaluated: 2026-05-01. Review status: criteria provided, single submitter. Criteria: LabCorp Variant Classification Summary - May 2015. Collection method: clinical testing. Allele origin: germline.

Labcorp Genetics (formerly Invitae), Labcorp
Classification: Likely benign for Catecholaminergic polymorphic ventricular tachycardia 1. Last evaluated: 2025-12-08. Review status: criteria provided, single submitter. Criteria: Invitae Variant Classification Sherloc (09022015). Collection method: clinical testing. Allele origin: germline.

Ambry Genetics
Classification: Uncertain significance for Cardiovascular phenotype. Last evaluated: 2025-05-19. Review status: criteria provided, single submitter. Criteria: Ambry Variant Classification Scheme 2023. Collection method: clinical testing. Allele origin: germline.
Comment: The c.1568-4T>A intronic variant results from a T to A substitution 4 nucleotides upstream from coding exon 27 in the TRDN gene. This nucleotide position is not well conserved in available vertebrate species. In silico splice site analysis for this alteration is inconclusive. Since supporting evidence is limited at this time, the clinical significance of this alteration remains unclear.

GeneDx
Classification: Likely benign. Last evaluated: 2019-01-28. Review status: criteria provided, single submitter. Criteria: GeneDx Variant Classification Process June 2021. Collection method: clinical testing. Allele origin: germline. Affected: yes.

NM_006073.4(TRDN):c.1568-4T>A

Gene: TRDN (triadin; minus strand). Cytogenetic location: 6q22.31.
Variant type: single nucleotide variant.
Coding change: c.1568-4T>A on transcript NM_006073.4 (MANE Select); 4 bases into the intron before coding-DNA position 1568, T replaced by A.
Molecular consequence: intron variant.
Genome position (GRCh38, 1-based): chr6:123,274,674, A>T on the plus strand (T>A on the coding strand, the complement: TRDN is on the minus strand). VCF-style: chr6-123274674-A-T. GRCh37 (hg19) VCF-style: chr6-123595819-A-T.
Identifiers: ClinVar variation 510683 (VCV000510683.18), dbSNP rs764779610, ClinGen allele CA3983859.
Genomic context (GRCh38, chr6:123,274,674, plus strand): 5'-ATCTATATAAAATAAAGCTCATGTTACCTGGTTTTGCTTCTTTTTTAATTTGGGGCTCTG[A>T]GGGAGAGAAAAGGCAGAAAATTTAAAACCTGAAAAAATAAACTAGAATGAAAATTAATTT-3'